The following is an entry in ClinVar:

NM_004333.6(BRAF):c.1479G>A (p.Gln493=)

Gene: BRAF (B-Raf proto-oncogene, serine/threonine kinase; minus strand). Cytogenetic location: 7q34.
Variant type: single nucleotide variant.
Coding change: c.1479G>A on transcript NM_004333.6 (MANE Select); coding-DNA position 1479, G replaced by A.
Protein change: p.Gln493=; no amino-acid change (glutamine 493 retained).
Molecular consequence: synonymous variant.
Genome position (GRCh38, 1-based): chr7:140,778,029, C>T on the plus strand (G>A on the coding strand, the complement: BRAF is on the minus strand). VCF-style: chr7-140778029-C-T. GRCh37 (hg19) VCF-style: chr7-140477829-C-T.
Other names: c.1479G>A, p.Gln493= (NM_001354609.2, NM_001378468.1, NM_001378474.1); c.1599G>A, p.Gln533= (NM_001374244.1, NM_001374258.1); c.1488G>A, p.Gln496= (NM_001378467.1); c.1413G>A, p.Gln471= (NM_001378469.1); c.1377G>A, p.Gln459= (NM_001378470.1); c.1368G>A, p.Gln456= (NM_001378471.1); c.1323G>A, p.Gln441= (NM_001378472.1, NM_001378473.1); c.1215G>A, p.Gln405= (NM_001378475.1).
Identifiers: ClinVar variation 4987566 (VCV004987566.1).
Genomic context (GRCh38, chr7:140,778,029, plus strand): 5'-AGAGTAATTCACACAAGCTCACCTGAGTACTCCTACTTCATTTTTGAAGGCTTGTAACTG[C>T]TGAGGTGTAGGTGCTGTCACATTCAACATTTTCACTGCCACATCACCTAAAAGGCAATTG-3'
Protein context (NP_004324.2, residues 483-503): KMLNVTAPTP[Gln493=]QLQAFKNEVG

ClinVar aggregate classification (germline): Likely benign (1 of 4 stars; one submission).

Conditions:
BRAF-related disorder. Also called: BRAF-related condition.

Submission:

PreventionGenetics, part of Exact Sciences
Classification: Likely benign for BRAF-related condition. Last evaluated: 2026-06-03. Review status: criteria provided, single submitter. Criteria: ACMG Guidelines, 2015. Collection method: clinical testing. Allele origin: germline.
Comment: This variant is classified as likely benign based on ACMG/AMP sequence variant interpretation guidelines (Richards et al. 2015 PMID: 25741868, with internal and published modifications).